The following is an entry in ClinVar:

NM_005475.3(SH2B3):c.158C>G (p.Pro53Arg)

Gene: SH2B3 (SH2B adaptor protein 3; plus strand). Cytogenetic location: 12q24.12.
Variant type: single nucleotide variant.
Coding change: c.158C>G on transcript NM_005475.3 (MANE Select); coding-DNA position 158, C replaced by G.
Protein change: p.Pro53Arg; replaces proline 53 with arginine.
Molecular consequence: missense variant.
Genome position (GRCh38, 1-based): chr12:111,418,303, C>G. VCF-style: chr12-111418303-C-G. GRCh37 (hg19) VCF-style: chr12-111856107-C-G.
Other names: short protein forms P53R.
Identifiers: ClinVar variation 3953386 (VCV003953386.1).

ClinVar aggregate classification (germline): Uncertain significance (1 of 4 stars; one submission).

Conditions:
Inborn genetic diseases. Identifiers: MedGen C0950123, MeSH D030342.

gnomAD v4.1: 1 of 1,531,762 alleles (0.000065%); highest among the groups gnomAD compares: Non-Finnish European, 0.000087%; no homozygotes.

Submission:

Ambry Genetics
Classification: Uncertain significance for Inborn genetic diseases. Last evaluated: 2025-03-26. Review status: criteria provided, single submitter. Criteria: Ambry Variant Classification Scheme 2023. Collection method: clinical testing. Allele origin: germline.
Comment: The p.P53R variant (also known as c.158C>G), located in coding exon 1 of the SH2B3 gene, results from a C to G substitution at nucleotide position 158. The proline at codon 53 is replaced by arginine, an amino acid with dissimilar properties. This amino acid position is conserved. In addition, the in silico prediction for this alteration is inconclusive. Based on the available evidence, the clinical significance of this variant remains unclear.